The following is an entry in ClinVar:

NM_152703.5(SAMD9L):c.697A>G (p.Thr233Ala)

Gene: SAMD9L (sterile alpha motif domain containing 9 like; minus strand). Cytogenetic location: 7q21.2.
Variant type: single nucleotide variant.
Coding change: c.697A>G on transcript NM_152703.5 (MANE Select); coding-DNA position 697, A replaced by G.
Protein change: p.Thr233Ala; replaces threonine 233 with alanine.
Molecular consequence: missense variant.
Genome position (GRCh38, 1-based): chr7:93,135,275, T>C on the plus strand (A>G on the coding strand, the complement: SAMD9L is on the minus strand). VCF-style: chr7-93135275-T-C. GRCh37 (hg19) VCF-style: chr7-92764588-T-C.
Other names: c.697A>G, p.Thr233Ala (NM_001303496.3, NM_001303497.3, NM_001303498.3 and 5 more transcripts); c.697A>G (NM_152703.2); short protein forms T233A.
Identifiers: ClinVar variation 1932745 (VCV001932745.7), dbSNP rs780573740, ClinGen allele CA4343829.

ClinVar aggregate classification (germline): Conflicting classifications of pathogenicity. Review status: criteria provided, conflicting classifications (1 of 4 stars). 2 submissions from 2 submitters: Uncertain significance (1); Likely benign (1). Last evaluated 2025-05-11.

Conditions:
Inborn genetic diseases. Identifiers: MedGen C0950123, MeSH D030342.

Allele frequency attached by ClinVar (database versions not stated): gnomAD 0.00001; TOPMed 0.00001; gnomAD exomes 0.00003; ExAC 0.00005.
gnomAD v4.1: 45 of 1,613,998 alleles (0.0028%); highest among the groups gnomAD compares: South Asian, 0.048%; no homozygotes.

Submissions (2):

Labcorp Genetics (formerly Invitae), Labcorp
Classification: Uncertain significance. Last evaluated: 2025-05-11. Review status: criteria provided, single submitter. Criteria: Invitae Variant Classification Sherloc (09022015). Collection method: clinical testing. Allele origin: germline.
Comment: This sequence change replaces threonine, which is neutral and polar, with alanine, which is neutral and non-polar, at codon 233 of the SAMD9L protein (p.Thr233Ala). This variant is present in population databases (rs780573740, gnomAD 0.04%). This variant has not been reported in the literature in individuals affected with SAMD9L-related conditions. ClinVar contains an entry for this variant (Variation ID: 1932745). An algorithm developed to predict the effect of missense changes on protein structure and function (PolyPhen-2) suggests that this variant is likely to be disruptive. In summary, the available evidence is currently insufficient to determine the role of this variant in disease. Therefore, it has been classified as a Variant of Uncertain Significance.

Ambry Genetics
Classification: Likely benign for Inborn genetic diseases. Last evaluated: 2025-03-10. Review status: criteria provided, single submitter. Criteria: Ambry Variant Classification Scheme 2023. Collection method: clinical testing. Allele origin: germline.